The following is an entry in ClinVar:

NM_006231.4(POLE):c.4116C>T (p.Val1372=)

Gene: POLE (DNA polymerase epsilon, catalytic subunit; minus strand). Cytogenetic location: 12q24.33.
Variant type: single nucleotide variant.
Coding change: c.4116C>T on transcript NM_006231.4 (MANE Select); coding-DNA position 4116, C replaced by T.
Protein change: p.Val1372=; no amino-acid change (valine 1372 retained).
Molecular consequence: synonymous variant.
Genome position (GRCh38, 1-based): chr12:132,648,962, G>A on the plus strand (C>T on the coding strand, the complement: POLE is on the minus strand). VCF-style: chr12-132648962-G-A. GRCh37 (hg19) VCF-style: chr12-133225548-G-A.
Identifiers: ClinVar variation 473640 (VCV000473640.29), dbSNP rs1171373480, ClinGen allele CA482728991.

ClinVar aggregate classification (germline): Likely benign. Review status: criteria provided, multiple submitters, no conflicts (2 of 4 stars). 3 submissions from 3 submitters: Likely benign (3). Last evaluated 2025-11-16.

Conditions:
Hereditary cancer-predisposing syndrome. Also called: Hereditary neoplastic syndrome; Tumor predisposition; Neoplastic Syndromes, Hereditary; Hereditary Cancer Syndrome. Identifiers: Orphanet 140162, MedGen C0027672, MeSH D009386, MONDO:0015356.

Allele frequency attached by ClinVar (database versions not stated): gnomAD exomes below 0.00001 and 0.00001; TOPMed below 0.00001; gnomAD 0.00001.
gnomAD v4.1: 11 of 1,613,842 alleles (0.00068%); highest among the groups gnomAD compares: Admixed American, 0.0067%; no homozygotes.

Submissions (3):

Labcorp Genetics (formerly Invitae), Labcorp
Classification: Likely benign. Last evaluated: 2025-11-16. Review status: criteria provided, single submitter. Criteria: Invitae Variant Classification Sherloc (09022015). Collection method: clinical testing. Allele origin: germline.

CeGaT Center for Human Genetics Tuebingen
Classification: Likely benign. Last evaluated: 2025-02-01. Review status: criteria provided, single submitter. Criteria: CeGaT Center For Human Genetics Tuebingen Variant Classification Criteria Version 2. Collection method: clinical testing. Allele origin: germline. Affected: yes. Observed: 1 variant allele.
Comment: POLE: BP4, BP7

Ambry Genetics
Classification: Likely benign for Hereditary cancer-predisposing syndrome. Last evaluated: 2016-07-21. Review status: criteria provided, single submitter. Criteria: Ambry Variant Classification Scheme 2023. Collection method: clinical testing. Allele origin: germline.